The following is an entry in ClinVar:

ClinVar aggregate classification (germline): Conflicting classifications of pathogenicity. Review status: criteria provided, conflicting classifications (1 of 4 stars). 2 submissions from 2 submitters: Uncertain significance (1); Likely benign (1). Last evaluated 2025-08-10.

Conditions:
Inborn genetic diseases. Identifiers: MedGen C0950123, MeSH D030342.

Submissions (2):

Ambry Genetics
Classification: Likely benign for Inborn genetic diseases. Last evaluated: 2025-08-10. Review status: criteria provided, single submitter. Criteria: Ambry Variant Classification Scheme 2023. Collection method: clinical testing. Allele origin: germline.

Labcorp Genetics (formerly Invitae), Labcorp
Classification: Uncertain significance. Last evaluated: 2025-08-04. Review status: criteria provided, single submitter. Criteria: Invitae Variant Classification Sherloc (09022015). Collection method: clinical testing. Allele origin: germline.
Comment: This sequence change replaces isoleucine, which is neutral and non-polar, with valine, which is neutral and non-polar, at codon 187 of the DNA2 protein (p.Ile187Val). The frequency data for this variant in the population databases is considered unreliable, as metrics indicate poor data quality at this position in the gnomAD database. This variant has not been reported in the literature in individuals affected with DNA2-related conditions. Invitae Evidence Modeling of protein sequence and biophysical properties (such as structural, functional, and spatial information, amino acid conservation, physicochemical variation, residue mobility, and thermodynamic stability) indicates that this missense variant is not expected to disrupt DNA2 protein function with a negative predictive value of 80%. In summary, the available evidence is currently insufficient to determine the role of this variant in disease. Therefore, it has been classified as a Variant of Uncertain Significance.

NM_001080449.3(DNA2):c.559A>G (p.Ile187Val)

Gene: DNA2 (DNA replication helicase/nuclease 2; minus strand). Cytogenetic location: 10q21.3.
Variant type: single nucleotide variant.
Coding change: c.559A>G on transcript NM_001080449.3 (MANE Select); coding-DNA position 559, A replaced by G.
Protein change: p.Ile187Val; replaces isoleucine 187 with valine.
Molecular consequence: missense variant. On other transcripts: non-coding transcript variant (1).
Genome position (GRCh38, 1-based): chr10:68,465,695, T>C on the plus strand (A>G on the coding strand, the complement: DNA2 is on the minus strand). VCF-style: chr10-68465695-T-C. GRCh37 (hg19) VCF-style: chr10-70225452-T-C.
Other names: short protein forms I187V.
Identifiers: ClinVar variation 4241704 (VCV004241704.2).